The following is an entry in ClinVar:

ClinVar aggregate classification (germline): Uncertain significance (1 of 4 stars; one submission).

Conditions:
Myofibrillar myopathy 4. Also called: Zaspopathy (type). Identifiers: Orphanet 98912, MedGen C4721886, MONDO:0012277, OMIM 609452.

gnomAD v4.1: 1 of 1,614,168 alleles (0.000062%); no homozygotes.

Submission:

Labcorp Genetics (formerly Invitae), Labcorp
Classification: Uncertain significance for Myofibrillar myopathy 4. Last evaluated: 2022-12-21. Review status: criteria provided, single submitter. Criteria: Invitae Variant Classification Sherloc (09022015). Collection method: clinical testing. Allele origin: germline.
Comment: Algorithms developed to predict the effect of missense changes on protein structure and function (SIFT, PolyPhen-2, Align-GVGD) all suggest that this variant is likely to be tolerated. This variant has not been reported in the literature in individuals affected with LDB3-related conditions. The frequency data for this variant in the population databases is considered unreliable, as metrics indicate poor data quality at this position in the gnomAD database. This sequence change replaces lysine, which is basic and polar, with glutamic acid, which is acidic and polar, at codon 208 of the LDB3 protein (p.Lys208Glu). In summary, the available evidence is currently insufficient to determine the role of this variant in disease. Therefore, it has been classified as a Variant of Uncertain Significance.

NM_007078.3(LDB3):c.763A>G (p.Lys255Glu)

Gene: LDB3 (LIM domain binding 3; plus strand). Cytogenetic location: 10q23.2.
Variant type: single nucleotide variant.
Coding change: c.763A>G on transcript NM_007078.3 (MANE Select); coding-DNA position 763, A replaced by G.
Protein change: p.Lys255Glu; replaces lysine 255 with glutamic acid.
Molecular consequence: missense variant.
Genome position (GRCh38, 1-based): chr10:86,691,969, A>G. VCF-style: chr10-86691969-A-G. GRCh37 (hg19) VCF-style: chr10-88451726-A-G.
Other names: c.763A>G, p.Lys255Glu (NM_001080115.2, NM_001368063.1, NM_001368064.1 and 1 more transcripts); c.622A>G, p.Lys208Glu (NM_001080116.1, NM_001368066.1, NM_001368067.1 and 2 more transcripts); c.967A>G, p.Lys323Glu (NM_001171610.2, NM_001171611.2); short protein forms K208E, K323E, K255E.
Identifiers: ClinVar variation 2989272 (VCV002989272.3), dbSNP rs1383406397, ClinGen allele CA377443069.